The following is an entry in ClinVar:

NM_198576.4(AGRN):c.4786C>T (p.Pro1596Ser)

Gene: AGRN (agrin; plus strand). Cytogenetic location: 1p36.33.
Variant type: single nucleotide variant.
Coding change: c.4786C>T on transcript NM_198576.4 (MANE Select); coding-DNA position 4786, C replaced by T.
Protein change: p.Pro1596Ser; replaces proline 1596 with serine.
Molecular consequence: missense variant.
Genome position (GRCh38, 1-based): chr1:1,049,944, C>T. VCF-style: chr1-1049944-C-T. GRCh37 (hg19) VCF-style: chr1-985324-C-T.
Other names: c.4786C>T, p.Pro1596Ser (NM_001305275.2); c.4471C>T, p.Pro1491Ser (NM_001364727.2); short protein forms P1596S, P1491S.
Identifiers: ClinVar variation 541150 (VCV000541150.8), dbSNP rs777910926, ClinGen allele CA509642.

ClinVar aggregate classification (germline): Uncertain significance (1 of 4 stars; one submission).

Conditions:
Congenital myasthenic syndrome 8. Also called: MYASTHENIC SYNDROME, CONGENITAL, DUE TO AGRIN DEFICIENCY; Myasthenic syndrome, congenital, 8, with pre- and postsynaptic defects. Identifiers: Orphanet 590, MedGen C3808739, MONDO:0014052, OMIM 615120.

Allele frequency attached by ClinVar (database versions not stated): ExAC 0.00002; gnomAD 0.00006 and 0.00007; TOPMed 0.00011; gnomAD exomes 0.00001.
gnomAD v4.1: 23 of 1,612,188 alleles (0.0014%); highest among the groups gnomAD compares: Admixed American, 0.013%; no homozygotes.

Submission:

Labcorp Genetics (formerly Invitae), Labcorp
Classification: Uncertain significance for Congenital myasthenic syndrome 8. Last evaluated: 2018-01-29. Review status: criteria provided, single submitter. Criteria: Invitae Variant Classification Sherloc (09022015). Collection method: clinical testing. Allele origin: germline.
Comment: In summary, the available evidence is currently insufficient to determine the role of this variant in disease. Therefore, it has been classified as a Variant of Uncertain Significance. Algorithms developed to predict the effect of missense changes on protein structure and function do not agree on the potential impact of this missense change (SIFT: "Deleterious"; PolyPhen-2: "Possibly Damaging"; Align-GVGD: "Class C0"). This variant has not been reported in the literature in individuals with AGRN-related disease. This variant is present in population databases (rs777910926, ExAC 0.003%). This sequence change replaces proline with serine at codon 1596 of the AGRN protein (p.Pro1596Ser). The proline residue is highly conserved and there is a moderate physicochemical difference between proline and serine.